The following is an entry in ClinVar:

NM_001083116.3(PRF1):c.362C>T (p.Ala121Val)

Gene: PRF1 (perforin 1; minus strand). Cytogenetic location: 10q22.1.
Variant type: single nucleotide variant.
Coding change: c.362C>T on transcript NM_001083116.3 (MANE Select); coding-DNA position 362, C replaced by T.
Protein change: p.Ala121Val; replaces alanine 121 with valine.
Molecular consequence: missense variant.
Genome position (GRCh38, 1-based): chr10:70,600,541, G>A on the plus strand (C>T on the coding strand, the complement: PRF1 is on the minus strand). VCF-style: chr10-70600541-G-A. GRCh37 (hg19) VCF-style: chr10-72360297-G-A.
Other names: c.362C>T, p.Ala121Val (NM_005041.6); short protein forms A121V.
Identifiers: ClinVar variation 3706283 (VCV003706283.2).

ClinVar aggregate classification (germline): Uncertain significance (1 of 4 stars; one submission).

Conditions:
Familial hemophagocytic lymphohistiocytosis 2 (FHL2). Also called: PRF1-Related Familial Hemophagocytic Lymphohistiocytosis (PRF1-fHLH). Identifiers: Orphanet 540, MedGen C1863727, MONDO:0011337, OMIM 603553.

gnomAD v4.1: 21 of 1,613,954 alleles (0.0013%); highest among the groups gnomAD compares: South Asian, 0.013%; no homozygotes.

Submission:

Labcorp Genetics (formerly Invitae), Labcorp
Classification: Uncertain significance for Familial hemophagocytic lymphohistiocytosis 2. Last evaluated: 2024-03-27. Review status: criteria provided, single submitter. Criteria: Invitae Variant Classification Sherloc (09022015). Collection method: clinical testing. Allele origin: germline.
Comment: This sequence change replaces alanine, which is neutral and non-polar, with valine, which is neutral and non-polar, at codon 121 of the PRF1 protein (p.Ala121Val). This variant is present in population databases (rs752368313, gnomAD 0.01%). This variant has not been reported in the literature in individuals affected with PRF1-related conditions. Algorithms developed to predict the effect of missense changes on protein structure and function output the following: SIFT: "Not Available"; PolyPhen-2: "Benign"; Align-GVGD: "Not Available". The valine amino acid residue is found in multiple mammalian species, which suggests that this missense change does not adversely affect protein function. In summary, the available evidence is currently insufficient to determine the role of this variant in disease. Therefore, it has been classified as a Variant of Uncertain Significance.